The following is an entry in ClinVar:

ClinVar aggregate classification (germline): Benign/Likely benign. Review status: criteria provided, multiple submitters, no conflicts (2 of 4 stars). 6 submissions from 6 submitters: Benign (1); Likely benign (3). 2 of the submissions do not count toward it. Last evaluated 2024-04-29.

Conditions:
Familial cancer of breast. Also called: BREAST CANCER, FAMILIAL; Hereditary breast cancer; hereditary breast carcinoma. Identifiers: Orphanet 227535, MedGen C0346153, MONDO:0016419, OMIM 114480. Disease mechanism: loss of function.
Hereditary cancer-predisposing syndrome. Also called: Hereditary Cancer Syndrome; Neoplastic Syndromes, Hereditary; Tumor predisposition; Hereditary neoplastic syndrome. Identifiers: Orphanet 140162, MedGen C0027672, MeSH D009386, MONDO:0015356.
Ataxia-telangiectasia syndrome (AT). Also called: Ataxia-telangiectasia, complementation group D; AT, COMPLEMENTATION GROUP C; ATAXIA-TELANGIECTASIA, COMPLEMENTATION GROUP A; ATAXIA-TELANGIECTASIA, FRESNO VARIANT; Ataxia-telangiectasia; LOUIS-BAR SYNDROME. Identifiers: Orphanet 100, MedGen C0004135, MONDO:0008840, OMIM 208900.

Allele frequency attached by ClinVar (database versions not stated): gnomAD exomes below 0.00001.
gnomAD v4.1: 1 of 1,614,156 alleles (0.000062%); highest among the groups gnomAD compares: Non-Finnish European, 0.000085%; no homozygotes.

Submissions (6):

Myriad Genetics, Inc.
Classification: Benign for Familial cancer of breast. Last evaluated: 2024-04-29. Review status: criteria provided, single submitter. Criteria: Myriad Autosomal Dominant, Autosomal Recessive and X-Linked Classification Criteria (2023). Collection method: clinical testing. Allele origin: unknown.
Comment: This variant is considered benign. This variant is a silent/synonymous amino acid change and it is not expected to impact splicing.

Color Diagnostics, LLC DBA Color Health
Classification: Likely benign for Hereditary cancer-predisposing syndrome. Last evaluated: 2022-01-24. Review status: criteria provided, single submitter. Criteria: ACMG Guidelines, 2015. Collection method: clinical testing. Allele origin: germline.

Labcorp Genetics (formerly Invitae), Labcorp
Classification: Likely benign for Ataxia-telangiectasia syndrome. Last evaluated: 2022-01-02. Review status: criteria provided, single submitter. Criteria: Invitae Variant Classification Sherloc (09022015). Collection method: clinical testing. Allele origin: germline.

Ambry Genetics
Classification: Likely benign for Hereditary cancer-predisposing syndrome. Last evaluated: 2014-10-22. Review status: criteria provided, single submitter. Criteria: Ambry Variant Classification Scheme 2023. Collection method: clinical testing. Allele origin: germline.

Clinical Genetics Laboratory, Department of Pathology, Netherlands Cancer Institute
Classification: Likely benign. Review status: no assertion criteria provided. Collection method: clinical testing. Allele origin: germline. Affected: yes. Study: VKGL Data-share Consensus. Not counted in ClinVar's aggregate classification.

Laboratory of Diagnostic Genome Analysis, Leiden University Medical Center (LUMC)
Classification: Likely benign. Review status: no assertion criteria provided. Collection method: clinical testing. Allele origin: germline. Affected: yes. Study: VKGL Data-share Consensus. Not counted in ClinVar's aggregate classification.

NM_000051.4(ATM):c.1524T>C (p.Leu508=)

Gene: ATM (ATM serine/threonine kinase; plus strand). Cytogenetic location: 11q22.3.
Variant type: single nucleotide variant.
Coding change: c.1524T>C on transcript NM_000051.4 (MANE Select); coding-DNA position 1524, T replaced by C.
Protein change: p.Leu508=; no amino-acid change (leucine 508 retained).
Molecular consequence: synonymous variant.
Genome position (GRCh38, 1-based): chr11:108,250,989, T>C. VCF-style: chr11-108250989-T-C. GRCh37 (hg19) VCF-style: chr11-108121716-T-C.
Other names: c.1524T>C, p.Leu508= (NM_001351834.2).
Identifiers: ClinVar variation 186926 (VCV000186926.18), dbSNP rs559095379, ClinGen allele CA196255.